The following is an entry in ClinVar:

ClinVar aggregate classification (germline): Likely benign (1 of 4 stars; one submission).

Allele frequency attached by ClinVar (database versions not stated): gnomAD 0.00017; TOPMed 0.00017; ESP Exome Variant Server 0.00023.
gnomAD v4.1: 294 of 1,613,856 alleles (0.018%); highest among the groups gnomAD compares: Non-Finnish European, 0.023%; no homozygotes.

Submission:

CeGaT Center for Human Genetics Tuebingen
Classification: Likely benign. Last evaluated: 2023-04-01. Review status: criteria provided, single submitter. Criteria: CeGaT Center For Human Genetics Tuebingen Variant Classification Criteria Version 2. Collection method: clinical testing. Allele origin: germline. Affected: yes. Observed: 1 variant allele.
Comment: OLFM3: BP4, BP7

NM_058170.4(OLFM3):c.414C>T (p.Pro138=)

Gene: OLFM3 (olfactomedin 3; minus strand). Cytogenetic location: 1p21.1.
Variant type: single nucleotide variant.
Coding change: c.414C>T on transcript NM_058170.4 (MANE Select); coding-DNA position 414, C replaced by T.
Protein change: p.Pro138=; no amino-acid change (proline 138 retained).
Molecular consequence: synonymous variant. On other transcripts: non-coding transcript variant (3).
Genome position (GRCh38, 1-based): chr1:101,825,204, G>A on the plus strand (C>T on the coding strand, the complement: OLFM3 is on the minus strand). VCF-style: chr1-101825204-G-A. GRCh37 (hg19) VCF-style: chr1-102290760-G-A.
Other names: c.474C>T, p.Pro158= (NM_001288821.2); c.189C>T, p.Pro63= (NM_001288823.2).
Identifiers: ClinVar variation 2638943 (VCV002638943.24), dbSNP rs138105539, ClinGen allele CA973034.